The following is an entry in ClinVar:

ClinVar aggregate classification (germline): Uncertain significance (1 of 4 stars; one submission).

Conditions:
Autosomal recessive limb-girdle muscular dystrophy type 2A (LGMDR1). Also called: Muscular dystrophy, limb-girdle, type 2A, Amish; LEYDEN-MOEBIUS MUSCULAR DYSTROPHY; MUSCULAR DYSTROPHY, PELVOFEMORAL; Limb-girdle muscular dystrophy, type 2A; Calpainopathy. Identifiers: Orphanet 267, MedGen C1869123, MONDO:0009675, OMIM 253600. Disease mechanism: loss of function.

gnomAD v4.1: 2 of 1,553,146 alleles (0.00013%); highest among the groups gnomAD compares: Admixed American, 0.002%; no homozygotes.

Submission:

Labcorp Genetics (formerly Invitae), Labcorp
Classification: Uncertain significance for Autosomal recessive limb-girdle muscular dystrophy type 2A. Last evaluated: 2025-01-29. Review status: criteria provided, single submitter. Criteria: Invitae Variant Classification Sherloc (09022015). Collection method: clinical testing. Allele origin: germline.
Comment: This sequence change falls in intron 7 of the CAPN3 gene. It does not directly change the encoded amino acid sequence of the CAPN3 protein. This variant is present in population databases (no rsID available, gnomAD 0.004%). This variant has not been reported in the literature in individuals affected with CAPN3-related conditions. Algorithms developed to predict the effect of sequence changes on RNA splicing suggest that this variant may disrupt the consensus splice site. In summary, the available evidence is currently insufficient to determine the role of this variant in disease. Therefore, it has been classified as a Variant of Uncertain Significance.

NM_000070.3(CAPN3):c.1030-14T>A

Gene: CAPN3 (calpain 3; plus strand). Cytogenetic location: 15q15.1.
Variant type: single nucleotide variant.
Coding change: c.1030-14T>A on transcript NM_000070.3 (MANE Select); 14 bases into the intron before coding-DNA position 1030, T replaced by A.
Molecular consequence: intron variant.
Genome position (GRCh38, 1-based): chr15:42,394,242, T>A. VCF-style: chr15-42394242-T-A. GRCh37 (hg19) VCF-style: chr15-42686440-T-A.
Other names: c.1030-14T>A (NM_024344.2); c.886-14T>A (NM_173087.2).
Identifiers: ClinVar variation 3686653 (VCV003686653.2).
Genomic context (GRCh38, chr15:42,394,242, plus strand): 5'-CAGCCCTCAGCAAGACAGAAGATTCCCTTTCCAGAGAGGCTGCAGAGCATGAGAGCTCTT[T>A]CTGTGTGCTTAAGGTCCCGTTCAAAGGTGAGAAAGTGAAGCTGGTGCGGCTGCGGAATCC-3'